The following is an entry in ClinVar:

ClinVar aggregate classification (germline): Uncertain significance. Review status: criteria provided, multiple submitters, no conflicts (2 of 4 stars). 3 submissions from 3 submitters: Uncertain significance (3). Last evaluated 2024-05-23.

Conditions:
Inborn genetic diseases. Identifiers: MedGen C0950123, MeSH D030342.
Fanconi anemia (FA). Also called: Fanconi's anemia. Identifiers: Orphanet 84, MedGen C0015625, MeSH D005199, MONDO:0019391.
Fanconi anemia complementation group A (FANCA). Also called: Fanconi anemia, group A; FANCA-Related Fanconi Anemia. Identifiers: Orphanet 84, MedGen C3469521, MONDO:0009215, OMIM 227650.

Allele frequency attached by ClinVar (database versions not stated): TOPMed 0.00001.
gnomAD v4.1: 4 of 1,613,964 alleles (0.00025%); highest among the groups gnomAD compares: African/African-American, 0.0053%; no homozygotes.

Submissions (3):

Ambry Genetics
Classification: Uncertain significance for Inborn genetic diseases. Last evaluated: 2024-05-23. Review status: criteria provided, single submitter. Criteria: Ambry Variant Classification Scheme 2023. Collection method: clinical testing. Allele origin: germline.

Fulgent Genetics
Classification: Uncertain significance for Fanconi anemia complementation group A. Last evaluated: 2024-03-08. Review status: criteria provided, single submitter. Criteria: ACMG Guidelines, 2015. Collection method: clinical testing. Allele origin: germline.

Labcorp Genetics (formerly Invitae), Labcorp
Classification: Uncertain significance for Fanconi anemia. Last evaluated: 2022-07-19. Review status: criteria provided, single submitter. Criteria: Invitae Variant Classification Sherloc (09022015). Collection method: clinical testing. Allele origin: germline.
Comment: This sequence change replaces valine, which is neutral and non-polar, with leucine, which is neutral and non-polar, at codon 187 of the FANCA protein (p.Val187Leu). This variant is present in population databases (no rsID available, gnomAD 0.01%). This variant has not been reported in the literature in individuals affected with FANCA-related conditions. ClinVar contains an entry for this variant (Variation ID: 1013666). Advanced modeling of protein sequence and biophysical properties (such as structural, functional, and spatial information, amino acid conservation, physicochemical variation, residue mobility, and thermodynamic stability) performed at Invitae indicates that this missense variant is not expected to disrupt FANCA protein function. In summary, the available evidence is currently insufficient to determine the role of this variant in disease. Therefore, it has been classified as a Variant of Uncertain Significance.

NM_000135.4(FANCA):c.559G>C (p.Val187Leu)

Gene: FANCA (FA complementation group A; minus strand). Cytogenetic location: 16q24.3.
Variant type: single nucleotide variant.
Coding change: c.559G>C on transcript NM_000135.4 (MANE Select); coding-DNA position 559, G replaced by C.
Protein change: p.Val187Leu; replaces valine 187 with leucine.
Molecular consequence: missense variant.
Genome position (GRCh38, 1-based): chr16:89,808,331, C>G on the plus strand (G>C on the coding strand, the complement: FANCA is on the minus strand). VCF-style: chr16-89808331-C-G. GRCh37 (hg19) VCF-style: chr16-89874739-C-G.
Other names: c.559G>C (NM_000135.2); c.559G>C, p.Val187Leu (NM_001018112.3, NM_001286167.3); c.463G>C, p.Val155Leu (NM_001351830.2); short protein forms V155L, V187L.
Identifiers: ClinVar variation 1013666 (VCV001013666.7), dbSNP rs761538996, ClinGen allele CA397479282.